The following is an entry in ClinVar:

ClinVar aggregate classification (germline): Uncertain significance. Review status: criteria provided, multiple submitters, no conflicts (2 of 4 stars). 2 submissions from 2 submitters: Uncertain significance (2). Last evaluated 2024-05-14.

Conditions:
Inborn genetic diseases. Identifiers: MedGen C0950123, MeSH D030342.

Allele frequency attached by ClinVar (database versions not stated): TOPMed 0.00001; gnomAD 0.00002; ESP Exome Variant Server 0.00008; 1000 Genomes Project 0.00020; 1000 Genomes Project 30x 0.00031.

Submissions (2):

Ambry Genetics
Classification: Uncertain significance for Inborn genetic diseases. Last evaluated: 2024-05-14. Review status: criteria provided, single submitter. Criteria: Ambry Variant Classification Scheme 2023. Collection method: clinical testing. Allele origin: germline.

Labcorp Genetics (formerly Invitae), Labcorp
Classification: Uncertain significance. Last evaluated: 2022-07-16. Review status: criteria provided, single submitter. Criteria: Invitae Variant Classification Sherloc (09022015). Collection method: clinical testing. Allele origin: germline.
Comment: This sequence change replaces glycine, which is neutral and non-polar, with serine, which is neutral and polar, at codon 379 of the GPAA1 protein (p.Gly379Ser). This variant is present in population databases (rs373702712, gnomAD 0.003%). This variant has not been reported in the literature in individuals affected with GPAA1-related conditions. Algorithms developed to predict the effect of missense changes on protein structure and function are either unavailable or do not agree on the potential impact of this missense change (SIFT: "Tolerated"; PolyPhen-2: "Probably Damaging"; Align-GVGD: "Class C0"). In summary, the available evidence is currently insufficient to determine the role of this variant in disease. Therefore, it has been classified as a Variant of Uncertain Significance.

NM_003801.4(GPAA1):c.1135G>A (p.Gly379Ser)

Gene: GPAA1 (glycosylphosphatidylinositol anchor attachment 1; plus strand). Cytogenetic location: 8q24.3.
Variant type: single nucleotide variant.
Coding change: c.1135G>A on transcript NM_003801.4 (MANE Select); coding-DNA position 1135, G replaced by A.
Protein change: p.Gly379Ser; replaces glycine 379 with serine.
Molecular consequence: missense variant.
Genome position (GRCh38, 1-based): chr8:144,084,846, G>A. VCF-style: chr8-144084846-G-A. GRCh37 (hg19) VCF-style: chr8-145139749-G-A.
Other names: c.1135G>A (NM_003801.3); short protein forms G379S.
Identifiers: ClinVar variation 2417785 (VCV002417785.4), dbSNP rs373702712, ClinGen allele CA4933056.